The following is an entry in ClinVar:

NM_001148.6(ANK2):c.11060G>C (p.Cys3687Ser)

Gene: ANK2 (ankyrin 2; plus strand). Cytogenetic location: 4q26.
Variant type: single nucleotide variant.
Coding change: c.11060G>C on transcript NM_001148.6 (MANE Select); coding-DNA position 11060, G replaced by C.
Protein change: p.Cys3687Ser; replaces cysteine 3687 with serine.
Molecular consequence: missense variant.
Genome position (GRCh38, 1-based): chr4:113,367,593, G>C. VCF-style: chr4-113367593-G-C. GRCh37 (hg19) VCF-style: chr4-114288749-G-C.
Other names: c.4778G>C, p.Cys1593Ser (NM_001127493.3); c.4817G>C, p.Cys1606Ser (NM_001354225.2); c.4706G>C, p.Cys1569Ser (NM_001354228.2, NM_001354258.2); c.4784G>C, p.Cys1595Ser (NM_001354230.2); c.4847G>C, p.Cys1616Ser (NM_001354231.2, NM_001354242.2); c.4841G>C, p.Cys1614Ser (NM_001354232.2); c.4802G>C, p.Cys1601Ser (NM_001354235.2, NM_001354246.2, NM_001354265.2); c.4703G>C, p.Cys1568Ser (NM_001354236.2); and 35 more; short protein forms C1502S, C1547S, C1559S, C1592S, C1593S, C1602S, C1628S, C1540S.
Identifiers: ClinVar variation 864537 (VCV000864537.12), dbSNP rs143803967, ClinGen allele CA3052226.

ClinVar aggregate classification (germline): Conflicting classifications of pathogenicity. Review status: criteria provided, conflicting classifications (1 of 4 stars). 5 submissions from 5 submitters: Uncertain significance (3); Likely benign (2). Last evaluated 2026-01-02.

Conditions:
Cardiovascular phenotype. Identifiers: MedGen CN230736.
Cardiac arrhythmia, ankyrin-B-related. Also called: ANKYRIN-B SYNDROME. Identifiers: Orphanet 101016, Orphanet 768, MedGen C1970119, MONDO:0010958, OMIM 600919.
ANK2-related disorder. Also called: ANK2-related condition.
Long QT syndrome (LQTS). Identifiers: MedGen C0023976, MeSH D008133, MONDO:0002442. Disease mechanism: loss of function. Inheritance: Various modes of inheritance.

Allele frequency attached by ClinVar (database versions not stated): gnomAD exomes 0.00009; ExAC 0.00010; TOPMed 0.00016; gnomAD 0.00018; ESP Exome Variant Server 0.00038; 1000 Genomes Project 0.00100; 1000 Genomes Project 30x 0.00125.
gnomAD v4.1: 52 of 1,613,646 alleles (0.0032%); highest among the groups gnomAD compares: African/African-American, 0.051%; no homozygotes.

Submissions (5):

Labcorp Genetics (formerly Invitae), Labcorp
Classification: Uncertain significance for Long QT syndrome. Last evaluated: 2026-01-02. Review status: criteria provided, single submitter. Criteria: Invitae Variant Classification Sherloc (09022015). Collection method: clinical testing. Allele origin: germline.
Comment: This sequence change replaces cysteine, which is neutral and slightly polar, with serine, which is neutral and polar, at codon 3687 of the ANK2 protein (p.Cys3687Ser). This variant is present in population databases (rs143803967, gnomAD 0.08%), and has an allele count higher than expected for a pathogenic variant. This variant has not been reported in the literature in individuals affected with ANK2-related conditions. ClinVar contains an entry for this variant (Variation ID: 864537). An algorithm developed to predict the effect of missense changes on protein structure and function (PolyPhen-2) suggests that this variant is likely to be tolerated. In summary, the available evidence is currently insufficient to determine the role of this variant in disease. Therefore, it has been classified as a Variant of Uncertain Significance.

PreventionGenetics, part of Exact Sciences
Classification: Likely benign for ANK2-related condition. Last evaluated: 2025-02-06. Review status: criteria provided, single submitter. Criteria: ACMG Guidelines, 2015. Collection method: clinical testing. Allele origin: germline.
Comment: This variant is classified as likely benign based on ACMG/AMP sequence variant interpretation guidelines (Richards et al. 2015 PMID: 25741868, with internal and published modifications).

GeneDx
Classification: Uncertain significance. Last evaluated: 2024-07-23. Review status: criteria provided, single submitter. Criteria: GeneDx Variant Classification Process June 2021. Collection method: clinical testing. Allele origin: germline. Affected: yes.
Comment: Has not been previously published as pathogenic or benign to our knowledge; In silico analysis supports that this missense variant has a deleterious effect on protein structure/function

Ambry Genetics
Classification: Likely benign for Cardiovascular phenotype. Last evaluated: 2021-11-16. Review status: criteria provided, single submitter. Criteria: Ambry Variant Classification Scheme 2023. Collection method: clinical testing. Allele origin: germline.

Fulgent Genetics
Classification: Uncertain significance for Cardiac arrhythmia, ankyrin-B-related. Last evaluated: 2021-08-18. Review status: criteria provided, single submitter. Criteria: ACMG Guidelines, 2015. Collection method: clinical testing. Allele origin: unknown.